The following is an entry in ClinVar:

ClinVar aggregate classification (germline): Uncertain significance. Review status: criteria provided, multiple submitters, no conflicts (2 of 4 stars). 2 submissions from 2 submitters: Uncertain significance (2). Last evaluated 2024-12-04.

Allele frequency attached by ClinVar (database versions not stated): gnomAD exomes below 0.00001; ExAC 0.00001.
gnomAD v4.1: 2 of 1,614,058 alleles (0.00012%); highest among the groups gnomAD compares: South Asian, 0.0011%; no homozygotes.

Submissions (2):

Labcorp Genetics (formerly Invitae), Labcorp
Classification: Uncertain significance. Last evaluated: 2024-12-04. Review status: criteria provided, single submitter. Criteria: Invitae Variant Classification Sherloc (09022015). Collection method: clinical testing. Allele origin: germline.
Comment: This sequence change replaces arginine, which is basic and polar, with glutamine, which is neutral and polar, at codon 996 of the IGF1R protein (p.Arg996Gln). This variant is present in population databases (rs750083612, gnomAD 0.0009%). This variant has not been reported in the literature in individuals affected with IGF1R-related conditions. ClinVar contains an entry for this variant (Variation ID: 1219141). Invitae Evidence Modeling of protein sequence and biophysical properties (such as structural, functional, and spatial information, amino acid conservation, physicochemical variation, residue mobility, and thermodynamic stability) indicates that this missense variant is expected to disrupt IGF1R protein function with a positive predictive value of 80%. In summary, the available evidence is currently insufficient to determine the role of this variant in disease. Therefore, it has been classified as a Variant of Uncertain Significance.

GeneDx
Classification: Uncertain significance. Last evaluated: 2021-01-05. Review status: criteria provided, single submitter. Criteria: GeneDx Variant Classification Process June 2021. Collection method: clinical testing. Allele origin: germline. Affected: yes.
Comment: In silico analysis supports that this missense variant has a deleterious effect on protein structure/function; Has not been previously published as pathogenic or benign to our knowledge

NM_000875.5(IGF1R):c.2987G>A (p.Arg996Gln)

Gene: IGF1R (insulin like growth factor 1 receptor; plus strand). Cytogenetic location: 15q26.3.
Variant type: single nucleotide variant.
Coding change: c.2987G>A on transcript NM_000875.5 (MANE Select); coding-DNA position 2987, G replaced by A.
Protein change: p.Arg996Gln; replaces arginine 996 with glutamine.
Molecular consequence: missense variant.
Genome position (GRCh38, 1-based): chr15:98,934,854, G>A. VCF-style: chr15-98934854-G-A. GRCh37 (hg19) VCF-style: chr15-99478083-G-A.
Other names: c.2984G>A, p.Arg995Gln (NM_001291858.2); short protein forms R995Q, R996Q.
Identifiers: ClinVar variation 1219141 (VCV001219141.5), dbSNP rs750083612, ClinGen allele CA7752596.